The following is an entry in ClinVar:

NM_001457.4(FLNB):c.4027A>G (p.Thr1343Ala)

Gene: FLNB (filamin B; plus strand). Cytogenetic location: 3p14.3.
Variant type: single nucleotide variant.
Coding change: c.4027A>G on transcript NM_001457.4 (MANE Select); coding-DNA position 4027, A replaced by G.
Protein change: p.Thr1343Ala; replaces threonine 1343 with alanine.
Molecular consequence: missense variant.
Genome position (GRCh38, 1-based): chr3:58,125,709, A>G. VCF-style: chr3-58125709-A-G. GRCh37 (hg19) VCF-style: chr3-58111436-A-G.
Other names: c.4027A>G (NM_001457.3); c.4027A>G, p.Thr1343Ala (NM_001164317.2, NM_001164318.2, NM_001164319.2); short protein forms T1343A.
Identifiers: ClinVar variation 4707960 (VCV004707960.2).

ClinVar aggregate classification (germline): Uncertain significance. Review status: criteria provided, multiple submitters, no conflicts (2 of 4 stars). 2 submissions from 2 submitters: Uncertain significance (2). Last evaluated 2026-02-16.

Conditions:
Inborn genetic diseases. Identifiers: MedGen C0950123, MeSH D030342.

gnomAD v4.1: 2 of 1,614,168 alleles (0.00012%); highest among the groups gnomAD compares: Non-Finnish European, 0.00017%; no homozygotes.

Submissions (2):

Ambry Genetics
Classification: Uncertain significance for Inborn genetic diseases. Last evaluated: 2026-02-16. Review status: criteria provided, single submitter. Criteria: Ambry Variant Classification Scheme 2023. Collection method: clinical testing. Allele origin: germline.

Labcorp Genetics (formerly Invitae), Labcorp
Classification: Uncertain significance. Last evaluated: 2025-07-27. Review status: criteria provided, single submitter. Criteria: Invitae Variant Classification Sherloc (09022015). Collection method: clinical testing. Allele origin: germline.
Comment: This sequence change replaces threonine, which is neutral and polar, with alanine, which is neutral and non-polar, at codon 1343 of the FLNB protein (p.Thr1343Ala). This variant is not present in population databases (gnomAD no frequency). This variant has not been reported in the literature in individuals affected with FLNB-related conditions. Invitae Evidence Modeling of protein sequence and biophysical properties (such as structural, functional, and spatial information, amino acid conservation, physicochemical variation, residue mobility, and thermodynamic stability) indicates that this missense variant is not expected to disrupt FLNB protein function with a negative predictive value of 95%. In summary, the available evidence is currently insufficient to determine the role of this variant in disease. Therefore, it has been classified as a Variant of Uncertain Significance.